The following is an entry in ClinVar:

ClinVar aggregate classification (germline): Benign/Likely benign. Review status: criteria provided, multiple submitters, no conflicts (2 of 4 stars). 3 submissions from 3 submitters: Benign (1); Likely benign (2). Last evaluated 2024-11-03.

Conditions:
Familial melanoma. Also called: Hereditary melanoma; Hereditary cutaneous melanoma. Identifiers: Orphanet 618, MedGen C1512419, MONDO:0018961.
Melanoma, cutaneous malignant, susceptibility to, 3. Also called: Cutaneous malignant melanoma 3. Identifiers: Orphanet 618, MedGen C1836892, MONDO:0012183, OMIM 609048.
Hereditary cancer-predisposing syndrome. Also called: Hereditary neoplastic syndrome; Neoplastic Syndromes, Hereditary; Hereditary Cancer Syndrome; Tumor predisposition. Identifiers: Orphanet 140162, MedGen C0027672, MeSH D009386, MONDO:0015356.

Submissions (3):

Ambry Genetics
Classification: Likely benign for Hereditary cancer-predisposing syndrome. Last evaluated: 2024-11-03. Review status: criteria provided, single submitter. Criteria: Ambry Variant Classification Scheme 2023. Collection method: clinical testing. Allele origin: germline.

Myriad Genetics, Inc.
Classification: Benign for Melanoma, cutaneous malignant, susceptibility to, 3. Last evaluated: 2024-09-25. Review status: criteria provided, single submitter. Criteria: Myriad Autosomal Dominant, Autosomal Recessive and X-Linked Classification Criteria (2023). Collection method: clinical testing. Allele origin: unknown.
Comment: This variant is considered benign. This variant is a silent/synonymous amino acid change and it is not expected to impact splicing.

Labcorp Genetics (formerly Invitae), Labcorp
Classification: Likely benign for Familial melanoma. Last evaluated: 2022-10-25. Review status: criteria provided, single submitter. Criteria: Invitae Variant Classification Sherloc (09022015). Collection method: clinical testing. Allele origin: germline.

NM_000075.4(CDK4):c.390C>T (p.Phe130=)

Gene: CDK4 (cyclin dependent kinase 4; minus strand). Cytogenetic location: 12q14.1.
Variant type: single nucleotide variant.
Coding change: c.390C>T on transcript NM_000075.4 (MANE Select); coding-DNA position 390, C replaced by T.
Protein change: p.Phe130=; no amino-acid change (phenylalanine 130 retained).
Molecular consequence: synonymous variant.
Genome position (GRCh38, 1-based): chr12:57,751,055, G>A on the plus strand (C>T on the coding strand, the complement: CDK4 is on the minus strand). VCF-style: chr12-57751055-G-A. GRCh37 (hg19) VCF-style: chr12-58144838-G-A.
Other names: c.390C>T (NM_000075.3).
Identifiers: ClinVar variation 2194460 (VCV002194460.6), dbSNP rs1955230925, ClinGen allele CA480404538.